The following is an entry in ClinVar:

NM_020937.4(FANCM):c.1251G>A (p.Glu417=)

Gene: FANCM (FA complementation group M; plus strand). Cytogenetic location: 14q21.2.
Variant type: single nucleotide variant.
Coding change: c.1251G>A on transcript NM_020937.4 (MANE Select); coding-DNA position 1251, G replaced by A.
Protein change: p.Glu417=; no amino-acid change (glutamic acid 417 retained).
Molecular consequence: synonymous variant.
Genome position (GRCh38, 1-based): chr14:45,154,764, G>A. VCF-style: chr14-45154764-G-A. GRCh37 (hg19) VCF-style: chr14-45623967-G-A.
Other names: c.1173G>A, p.Glu391= (NM_001308133.2); c.1251G>A, p.Glu417= (NM_001308134.2).
Identifiers: ClinVar variation 1632738 (VCV001632738.16), dbSNP rs1238085525, ClinGen allele CA486138477.

ClinVar aggregate classification (germline): Likely benign. Review status: criteria provided, multiple submitters, no conflicts (2 of 4 stars). 2 submissions from 2 submitters: Likely benign (2). Last evaluated 2025-08-01.

Conditions:
Fanconi anemia (FA). Also called: Fanconi's anemia. Identifiers: Orphanet 84, MedGen C0015625, MeSH D005199, MONDO:0019391.

Allele frequency attached by ClinVar (database versions not stated): gnomAD exomes 0.00001.
gnomAD v4.1: 10 of 1,605,646 alleles (0.00062%); highest among the groups gnomAD compares: Non-Finnish European, 0.00085%; no homozygotes.

Submissions (2):

CeGaT Center for Human Genetics Tuebingen
Classification: Likely benign. Last evaluated: 2025-08-01. Review status: criteria provided, single submitter. Criteria: CeGaT Center For Human Genetics Tuebingen Variant Classification Criteria Version 2. Collection method: clinical testing. Allele origin: germline. Affected: yes. Observed: 1 variant allele.
Comment: FANCM: BP4, BP7

Labcorp Genetics (formerly Invitae), Labcorp
Classification: Likely benign for Fanconi anemia. Last evaluated: 2021-07-14. Review status: criteria provided, single submitter. Criteria: Invitae Variant Classification Sherloc (09022015). Collection method: clinical testing. Allele origin: germline.